The following is an entry in ClinVar:

NM_003242.6(TGFBR2):c.95-6C>T

Gene: TGFBR2 (transforming growth factor beta receptor 2; plus strand). Cytogenetic location: 3p24.1.
Variant type: single nucleotide variant.
Coding change: c.95-6C>T on transcript NM_003242.6 (MANE Select); 6 bases into the intron before coding-DNA position 95, C replaced by T.
Molecular consequence: intron variant.
Genome position (GRCh38, 1-based): chr3:30,644,741, C>T. VCF-style: chr3-30644741-C-T. GRCh37 (hg19) VCF-style: chr3-30686233-C-T.
Other names: c.-11-6C>T (NM_001407129.1, NM_001407132.1, NM_001407136.1 and 3 more transcripts); c.170-6C>T (NM_001407126.1, NM_001024847.3, NM_001407139.1); c.169+21468C>T (NM_001407137.1); c.95-6C>T (NM_001407127.1, NM_001407130.1); c.95-26897C>T (NM_001407138.1); c.122-6C>T (NM_001407128.1).
Identifiers: ClinVar variation 3072562 (VCV003072562.1), dbSNP rs1177772829, ClinGen allele CA2825001200.

ClinVar aggregate classification (germline): Likely benign (1 of 4 stars; one submission).

Conditions:
Loeys-Dietz syndrome 2 (LDS2). Also called: TGFBR2-Related Loeys-Dietz Syndrome; AORTIC ANEURYSM, FAMILIAL THORACIC 3; MARFAN SYNDROME, TYPE II; Marfan syndrome, type 2 (formerly); Marfan Syndrome type 2; Marfan like connective tissue disorder. Identifiers: Orphanet 284973, Orphanet 558, MedGen C2674574, MONDO:0012427, OMIM 610168.

Submission:

All of Us Research Program, National Institutes of Health
Classification: Likely benign for Loeys-Dietz syndrome 2. Last evaluated: 2023-08-08. Review status: criteria provided, single submitter. Criteria: ACMG Guidelines, 2015. Collection method: clinical testing. Allele origin: germline. Inheritance: Autosomal dominant inheritance. Observed: 1 variant allele, 1 heterozygote.
Comment: This study involves interpretation of variants in research participants for the purpose of population health screening. Participant phenotype was not available at the time of variant classification. Additional details can be found in publication PMID: 35346344, PMCID: PMC8962531